The following is an entry in ClinVar:

ClinVar aggregate classification (germline): Pathogenic (1 of 4 stars; one submission).

Submission:

Labcorp Genetics (formerly Invitae), Labcorp
Classification: Pathogenic. Last evaluated: 2024-09-23. Review status: criteria provided, single submitter. Criteria: Invitae Variant Classification Sherloc (09022015). Collection method: clinical testing. Allele origin: germline.
Comment: This sequence change creates a premature translational stop signal (p.Pro624Leufs*91) in the COL11A2 gene. It is expected to result in an absent or disrupted protein product. Loss-of-function variants in COL11A2 are known to be pathogenic (PMID: 10677296, 21204229). This variant is not present in population databases (gnomAD no frequency). This variant has not been reported in the literature in individuals affected with COL11A2-related conditions. For these reasons, this variant has been classified as Pathogenic.

Literature cited by the submitters: PubMed 10677296; PubMed 21204229.

NM_080680.3(COL11A2):c.1871del (p.Pro624fs)

Gene: COL11A2 (collagen type XI alpha 2 chain; minus strand). Cytogenetic location: 6p21.32.
Variant type: Deletion.
Coding change: c.1871del on transcript NM_080680.3 (MANE Select); coding-DNA position 1871, one base deleted (C; older notation c.1871delC).
Protein change: p.Pro624fs; shifts the reading frame from proline 624.
Molecular consequence: frameshift variant.
Genome position (GRCh38, 1-based): chr6:33,178,133, G deleted on the plus strand (C on the coding strand, the reverse complement: COL11A2 is on the minus strand); the first of 5 consecutive G bases (chr6:33,178,133-33,178,137); deleting any one gives the same sequence. VCF-style (leftmost placement, unchanged base first): chr6-33178132-AG-A. GRCh37 (hg19) VCF-style: chr6-33145909-AG-A.
Other names: c.1691del, p.Pro564fs (NM_001424108.1); c.1025del, p.Pro342fs (NM_001424109.1); c.845del, p.Pro282fs (NM_001424110.1, NM_001424111.1); c.1550del, p.Pro517fs (NM_080679.3); c.1613del, p.Pro538fs (NM_080681.3); short protein forms P517fs, P538fs, P282fs, P342fs, P564fs, P624fs.
Identifiers: ClinVar variation 3640550 (VCV003640550.2).